The following is an entry in ClinVar:

ClinVar aggregate classification (germline): Uncertain significance (1 of 4 stars; one submission).

Conditions:
Hereditary cancer-predisposing syndrome. Also called: Hereditary Cancer Syndrome; Hereditary neoplastic syndrome; Neoplastic Syndromes, Hereditary; Tumor predisposition. Identifiers: Orphanet 140162, MedGen C0027672, MeSH D009386, MONDO:0015356.

gnomAD v4.1: 2 of 1,614,092 alleles (0.00012%); highest among the groups gnomAD compares: Non-Finnish European, 0.00017%; no homozygotes.

Submission:

Ambry Genetics
Classification: Uncertain significance for Hereditary cancer-predisposing syndrome. Last evaluated: 2025-05-05. Review status: criteria provided, single submitter. Criteria: Ambry Variant Classification Scheme 2023. Collection method: clinical testing. Allele origin: germline.
Comment: The p.G95R variant (also known as c.283G>A), located in coding exon 2 of the MSH3 gene, results from a G to A substitution at nucleotide position 283. The glycine at codon 95 is replaced by arginine, an amino acid with dissimilar properties. This amino acid position is conserved. In addition, the in silico prediction for this alteration is inconclusive. Based on the available evidence, the clinical significance of this variant remains unclear.

NM_002439.5(MSH3):c.283G>A (p.Gly95Arg)

Gene: MSH3 (mutS homolog 3; plus strand). Cytogenetic location: 5q14.1.
Variant type: single nucleotide variant.
Coding change: c.283G>A on transcript NM_002439.5 (MANE Select); coding-DNA position 283, G replaced by A.
Protein change: p.Gly95Arg; replaces glycine 95 with arginine.
Molecular consequence: missense variant.
Genome position (GRCh38, 1-based): chr5:80,656,456, G>A. VCF-style: chr5-80656456-G-A. GRCh37 (hg19) VCF-style: chr5-79952275-G-A.
Other names: short protein forms G95R.
Identifiers: ClinVar variation 3913638 (VCV003913638.1).
Genomic context (GRCh38, chr5:80,656,456, plus strand): 5'-ACCTTCCCGATATAGGCTACAGAAATTGACAGAAGAAAGAAGAGACCATTGGAAAATGAT[G>A]GGCCTGTTAAAAAGAAAGTAAAGAAAGTCCAACAAAAGGAAGGAGGAAGTGATCTGGGAA-3'
Protein context (NP_002430.3, residues 85-105): RRKKRPLEND[Gly95Arg]PVKKKVKKVQ